The following is an entry in ClinVar:

NM_000521.4(HEXB):c.127G>T (p.Ala43Ser)

Gene: HEXB (hexosaminidase subunit beta; plus strand). Cytogenetic location: 5q13.3.
Variant type: single nucleotide variant.
Coding change: c.127G>T on transcript NM_000521.4 (MANE Select); coding-DNA position 127, G replaced by T.
Protein change: p.Ala43Ser; replaces alanine 43 with serine.
Molecular consequence: missense variant. On other transcripts: intron variant (1).
Genome position (GRCh38, 1-based): chr5:74,685,387, G>T. VCF-style: chr5-74685387-G-T. GRCh37 (hg19) VCF-style: chr5-73981212-G-T.
Other names: p.Ala43Ser; c.-376-3941G>T (NM_001292004.2); short protein forms A43S.
Identifiers: ClinVar variation 211144 (VCV000211144.12), dbSNP rs797045614, ClinGen allele CA208925.
Genomic context (GRCh38, chr5:74,685,387, plus strand): 5'-CTGGCGGCGATGTTGGCGCTGCTGACTCAGGTGGCGCTGGTGGTGCAGGTGGCGGAGGCG[G>T]CTCGGGCCCCGAGCGTCTCGGCCAAGCCGGGGCCGGCGCTGTGGCCCCTGCCGCTCTTGG-3'
Protein context (NP_000512.2, residues 33-53): VALVVQVAEA[Ala43Ser]RAPSVSAKPG

ClinVar aggregate classification (germline): Uncertain significance. Review status: criteria provided, multiple submitters, no conflicts (2 of 4 stars). 5 submissions from 5 submitters: Uncertain significance (4). 1 of the submissions does not count toward it. Last evaluated 2024-09-29.

Conditions:
Inborn genetic diseases. Identifiers: MedGen C0950123, MeSH D030342.
Sandhoff disease. Also called: GM2-GANGLIOSIDOSIS, TYPE II; HEXOSAMINIDASES A AND B DEFICIENCY; Beta-hexosaminidase-beta-subunit deficiency; GM2 gangliosidosis, type 2; Total hexosaminidase deficiency; Sandhoff-Jatzkewitz-Pilz disease. Identifiers: Orphanet 796, MedGen C0036161, MONDO:0010006, OMIM 268800.

Allele frequency attached by ClinVar (database versions not stated): gnomAD exomes below 0.00001.

Submissions (5):

Labcorp Genetics (formerly Invitae), Labcorp
Classification: Uncertain significance for Sandhoff disease. Last evaluated: 2024-09-29. Review status: criteria provided, single submitter. Criteria: Invitae Variant Classification Sherloc (09022015). Collection method: clinical testing. Allele origin: germline.
Comment: This sequence change replaces alanine, which is neutral and non-polar, with serine, which is neutral and polar, at codon 43 of the HEXB protein (p.Ala43Ser). This variant is not present in population databases (gnomAD no frequency). This variant has not been reported in the literature in individuals affected with HEXB-related conditions. ClinVar contains an entry for this variant (Variation ID: 211144). Invitae Evidence Modeling of protein sequence and biophysical properties (such as structural, functional, and spatial information, amino acid conservation, physicochemical variation, residue mobility, and thermodynamic stability) indicates that this missense variant is not expected to disrupt HEXB protein function with a negative predictive value of 95%. In summary, the available evidence is currently insufficient to determine the role of this variant in disease. Therefore, it has been classified as a Variant of Uncertain Significance.

Mayo Clinic Laboratories, Mayo Clinic
Classification: Uncertain significance. Last evaluated: 2023-05-02. Review status: criteria provided, single submitter. Criteria: ACMG Guidelines, 2015. Collection method: clinical testing. Allele origin: germline. Observed: 1 variant allele.
Comment: BP4, PM2

Ambry Genetics
Classification: Uncertain significance for Inborn genetic diseases. Last evaluated: 2022-08-16. Review status: criteria provided, single submitter. Criteria: Ambry Variant Classification Scheme 2023. Collection method: clinical testing. Allele origin: germline.

Genetic Services Laboratory, University of Chicago
Classification: Uncertain significance. Last evaluated: 2014-06-27. Review status: criteria provided, single submitter. Criteria: ACMG Guidelines, 2015. Collection method: clinical testing. Allele origin: germline.

Counsyl
Classification: Uncertain significance for Sandhoff disease. Last evaluated: 2017-12-07. Review status: no assertion criteria provided. Collection method: clinical testing. Allele origin: unknown. Not counted in ClinVar's aggregate classification.